The following is an entry in ClinVar:

ClinVar aggregate classification (germline): Likely benign (0 of 4 stars; one submission).

Conditions:
CLPTM1-related disorder. Also called: CLPTM1-related condition.

Allele frequency attached by ClinVar (database versions not stated): gnomAD 0.00001; gnomAD exomes 0.00001; ExAC 0.00002; TOPMed 0.00003.
gnomAD v4.1: 6 of 1,614,162 alleles (0.00037%); highest among the groups gnomAD compares: Middle Eastern, 0.016%; no homozygotes.

Submission:

PreventionGenetics, part of Exact Sciences
Classification: Likely benign for CLPTM1-related condition. Last evaluated: 2019-08-09. Review status: no assertion criteria provided. Collection method: clinical testing. Allele origin: germline.
Comment: This variant is classified as likely benign based on ACMG/AMP sequence variant interpretation guidelines (Richards et al. 2015 PMID: 25741868, with internal and published modifications).

NM_001294.4(CLPTM1):c.912C>T (p.Arg304=)

Gene: CLPTM1 (CLPTM1 regulator of GABA type A receptor forward trafficking; plus strand). Cytogenetic location: 19q13.32.
Variant type: single nucleotide variant.
Coding change: c.912C>T on transcript NM_001294.4 (MANE Select); coding-DNA position 912, C replaced by T.
Protein change: p.Arg304=; no amino-acid change (arginine 304 retained).
Molecular consequence: synonymous variant.
Genome position (GRCh38, 1-based): chr19:44,987,297, C>T. VCF-style: chr19-44987297-C-T. GRCh37 (hg19) VCF-style: chr19-45490555-C-T.
Other names: c.870C>T, p.Arg290= (NM_001282175.2); c.606C>T, p.Arg202= (NM_001282176.2).
Identifiers: ClinVar variation 3035645 (VCV003035645.2), dbSNP rs753515972, ClinGen allele CA9506973.